The following is an entry in ClinVar:

NM_003079.5(SMARCE1):c.500G>A (p.Gly167Glu)

Gene: SMARCE1 (SWI/SNF related BAF chromatin remodeling complex subunit E1; minus strand). Cytogenetic location: 17q21.2.
Variant type: single nucleotide variant.
Coding change: c.500G>A on transcript NM_003079.5 (MANE Select); coding-DNA position 500, G replaced by A.
Protein change: p.Gly167Glu; replaces glycine 167 with glutamic acid.
Molecular consequence: missense variant.
Genome position (GRCh38, 1-based): chr17:40,635,972, C>T on the plus strand (G>A on the coding strand, the complement: SMARCE1 is on the minus strand). VCF-style: chr17-40635972-C-T. GRCh37 (hg19) VCF-style: chr17-38792224-C-T.
Other names: short protein forms G167E.
Identifiers: ClinVar variation 3446151 (VCV003446151.1).
Genomic context (GRCh38, chr17:40,635,972, plus strand): 5'-CCCACTTTTTTTCTTTTACCATCTGGATCTTCAGCAGGCTGAATGCTCATGTACGGTTCT[C>T]CTTTCTCCATGCGAGATTGTCTCTGTCGACTTTCTTCCTCTAAAGCAGCTTCTGCACGAC-3'
Protein context (NP_003070.3, residues 157-177): SRQRQSRMEK[Gly167Glu]EPYMSIQPAE

ClinVar aggregate classification (germline): Uncertain significance (1 of 4 stars; one submission).

Conditions:
Hereditary cancer-predisposing syndrome. Also called: Tumor predisposition; Neoplastic Syndromes, Hereditary; Hereditary neoplastic syndrome; Hereditary Cancer Syndrome. Identifiers: Orphanet 140162, MedGen C0027672, MeSH D009386, MONDO:0015356.

Submission:

Ambry Genetics
Classification: Uncertain significance for Hereditary cancer-predisposing syndrome. Last evaluated: 2024-09-24. Review status: criteria provided, single submitter. Criteria: Ambry Variant Classification Scheme 2023. Collection method: clinical testing. Allele origin: germline.
Comment: The p.G167E variant (also known as c.500G>A), located in coding exon 6 of the SMARCE1 gene, results from a G to A substitution at nucleotide position 500. The glycine at codon 167 is replaced by glutamic acid, an amino acid with similar properties. This amino acid position is conserved. In addition, the in silico prediction for this alteration is inconclusive. Based on the available evidence, the clinical significance of this variant remains unclear.